The following is an entry in ClinVar:

NM_015450.3(POT1):c.923A>G (p.Gln308Arg)

Gene: POT1 (protection of telomeres 1; minus strand). Cytogenetic location: 7q31.33.
Variant type: single nucleotide variant.
Coding change: c.923A>G on transcript NM_015450.3 (MANE Select); coding-DNA position 923, A replaced by G.
Protein change: p.Gln308Arg; replaces glutamine 308 with arginine.
Molecular consequence: missense variant. On other transcripts: non-coding transcript variant (3).
Genome position (GRCh38, 1-based): chr7:124,851,898, T>C on the plus strand (A>G on the coding strand, the complement: POT1 is on the minus strand). VCF-style: chr7-124851898-T-C. GRCh37 (hg19) VCF-style: chr7-124491952-T-C.
Other names: c.530A>G, p.Gln177Arg (NM_001042594.2); short protein forms Q177R, Q308R.
Identifiers: ClinVar variation 1436856 (VCV001436856.9), dbSNP rs1156231311, ClinGen allele CA369054334.
Genomic context (GRCh38, chr7:124,851,898, plus strand): 5'-GAACTAAACTGTCAATGTTAAAGATTATCCTTACTTGGAAAGCTGTCGTCAGGTTCTGAT[T>C]GACAGATAACATCTGAATGCTGATTGGCTGTCAAATTTGCAGATTCTAAATCCCTATAAT-3'
Protein context (NP_056265.2, residues 298-318): TANQHSDVIC[Gln308Arg]SEPDDSFPSS

ClinVar aggregate classification (germline): Uncertain significance. Review status: criteria provided, multiple submitters, no conflicts (2 of 4 stars). 3 submissions from 3 submitters: Uncertain significance (3). Last evaluated 2025-04-28.

Conditions:
Tumor predisposition syndrome 3 (TPDS3). Also called: LONG TELOMERE SYNDROME, POT1-RELATED; POT1 Tumor Predisposition; Glioma susceptibility 9; Melanoma, cutaneous malignant, susceptibility to, 10. Identifiers: Orphanet 618, MedGen C4014476, MONDO:0014368, OMIM 615848.
Hereditary cancer-predisposing syndrome. Also called: Hereditary Cancer Syndrome; Neoplastic Syndromes, Hereditary; Hereditary neoplastic syndrome; Tumor predisposition. Identifiers: Orphanet 140162, MedGen C0027672, MeSH D009386, MONDO:0015356.

Allele frequency attached by ClinVar (database versions not stated): TOPMed below 0.00001; gnomAD 0.00001.
gnomAD v4.1: 5 of 1,610,938 alleles (0.00031%); highest among the groups gnomAD compares: African/African-American, 0.004%; no homozygotes.

Submissions (3):

Labcorp Genetics (formerly Invitae), Labcorp
Classification: Uncertain significance for Tumor predisposition syndrome 3. Last evaluated: 2025-04-28. Review status: criteria provided, single submitter. Criteria: Invitae Variant Classification Sherloc (09022015). Collection method: clinical testing. Allele origin: germline.
Comment: This sequence change replaces glutamine, which is neutral and polar, with arginine, which is basic and polar, at codon 308 of the POT1 protein (p.Gln308Arg). The frequency data for this variant in the population databases is considered unreliable, as metrics indicate poor data quality at this position in the gnomAD database. This variant has not been reported in the literature in individuals affected with POT1-related conditions. ClinVar contains an entry for this variant (Variation ID: 1436856). Invitae Evidence Modeling of protein sequence and biophysical properties (such as structural, functional, and spatial information, amino acid conservation, physicochemical variation, residue mobility, and thermodynamic stability) indicates that this missense variant is not expected to disrupt POT1 protein function with a negative predictive value of 80%. In summary, the available evidence is currently insufficient to determine the role of this variant in disease. Therefore, it has been classified as a Variant of Uncertain Significance.

GeneDx
Classification: Uncertain significance. Last evaluated: 2023-11-09. Review status: criteria provided, single submitter. Criteria: GeneDx Variant Classification Process June 2021. Collection method: clinical testing. Allele origin: germline. Affected: yes.
Comment: Not observed at significant frequency in large population cohorts (gnomAD); In silico analysis supports that this missense variant does not alter protein structure/function; Has not been previously published as pathogenic or benign to our knowledge

Ambry Genetics
Classification: Uncertain significance for Hereditary cancer-predisposing syndrome. Last evaluated: 2022-01-13. Review status: criteria provided, single submitter. Criteria: Ambry Variant Classification Scheme 2023. Collection method: clinical testing. Allele origin: germline.
Comment: The p.Q308R variant (also known as c.923A>G), located in coding exon 7 of the POT1 gene, results from an A to G substitution at nucleotide position 923. The glutamine at codon 308 is replaced by arginine, an amino acid with highly similar properties. This amino acid position is conserved. In addition, this alteration is predicted to be tolerated by in silico analysis. Since supporting evidence is limited at this time, the clinical significance of this alteration remains unclear.